The following is an entry in ClinVar:

NM_000384.3(APOB):c.1698G>A (p.Met566Ile)

Gene: APOB (apolipoprotein B; minus strand). Cytogenetic location: 2p24.1.
Variant type: single nucleotide variant.
Coding change: c.1698G>A on transcript NM_000384.3 (MANE Select); coding-DNA position 1698, G replaced by A.
Protein change: p.Met566Ile; replaces methionine 566 with isoleucine.
Molecular consequence: missense variant.
Genome position (GRCh38, 1-based): chr2:21,028,458, C>T on the plus strand (G>A on the coding strand, the complement: APOB is on the minus strand). VCF-style: chr2-21028458-C-T. GRCh37 (hg19) VCF-style: chr2-21251330-C-T.
Other names: short protein forms M566I.
Identifiers: ClinVar variation 3231379 (VCV003231379.1), dbSNP rs1487970697, ClinGen allele CA346014692.

ClinVar aggregate classification (germline): Uncertain significance (1 of 4 stars; one submission).

Conditions:
Cardiovascular phenotype. Identifiers: MedGen CN230736.

Allele frequency attached by ClinVar (database versions not stated): gnomAD exomes below 0.00001.

Submission:

Ambry Genetics
Classification: Uncertain significance for Cardiovascular phenotype. Last evaluated: 2023-10-19. Review status: criteria provided, single submitter. Criteria: Ambry Variant Classification Scheme 2023. Collection method: clinical testing. Allele origin: germline.
Comment: The p.M566I variant (also known as c.1698G>A), located in coding exon 13 of the APOB gene, results from a G to A substitution at nucleotide position 1698. The methionine at codon 566 is replaced by isoleucine, an amino acid with highly similar properties. This amino acid position is conserved. In addition, this alteration is predicted to be tolerated by in silico analysis. Since supporting evidence is limited at this time, the clinical significance of this alteration remains unclear.